The following is an entry in ClinVar:

ClinVar aggregate classification (germline): Benign. Review status: criteria provided, multiple submitters, no conflicts (2 of 4 stars). 3 submissions from 3 submitters: Benign (3). Last evaluated 2023-11-12.

Allele frequency attached by ClinVar (database versions not stated): gnomAD exomes 0.23785; gnomAD 0.29471 and 0.29901; 1000 Genomes Project 0.31230; 1000 Genomes Project 30x 0.31855; TOPMed 0.32078.
gnomAD v4.1: 304,391 of 1,242,656 alleles (24%); highest among the groups gnomAD compares: Admixed American, 45%; 41,333 homozygotes.

Submissions (3):

Unidad de Genómica Garrahan, Hospital de Pediatría Garrahan
Classification: Benign. Last evaluated: 2023-11-12. Review status: criteria provided, single submitter. Criteria: ACMG Guidelines, 2015. Collection method: clinical testing. Allele origin: germline. Affected: no. Observed: 24 variant alleles.
Comment: This variant is classified as Benign based on local population frequency. This variant was detected in 25% of patients studied by a panel of primary immunodeficiencies. Number of patients: 24. Only high quality variants are reported.

GeneDx
Classification: Benign. Last evaluated: 2018-11-10. Review status: criteria provided, single submitter. Criteria: GeneDx Variant Classification Process June 2021. Collection method: clinical testing. Allele origin: germline. Affected: yes.

Breakthrough Genomics
Classification: Benign. Review status: criteria provided, single submitter. Criteria: ACMG Guidelines, 2015. Collection method: not provided. Allele origin: germline. Inheritance: Autosomal recessive inheritance. Affected: yes.

NM_003664.5(AP3B1):c.*107T>A

Gene: AP3B1 (adaptor related protein complex 3 subunit beta 1; minus strand). Cytogenetic location: 5q14.1.
Variant type: single nucleotide variant.
Coding change: c.*107T>A on transcript NM_003664.5 (MANE Select); 107 bases downstream of the stop codon, T replaced by A.
Molecular consequence: 3 prime UTR variant.
Genome position (GRCh38, 1-based): chr5:78,002,795, A>T on the plus strand (T>A on the coding strand, the complement: AP3B1 is on the minus strand). VCF-style: chr5-78002795-A-T. GRCh37 (hg19) VCF-style: chr5-77298619-A-T.
Other names: c.*107T>A (NM_001271769.2).
Identifiers: ClinVar variation 354217 (VCV000354217.10), dbSNP rs11552314, ClinGen allele CA10625188.